The following is an entry in ClinVar:

NM_001042432.2(CLN3):c.125+49A>G

Gene: CLN3 (CLN3 lysosomal/endosomal transmembrane protein, battenin; minus strand). Cytogenetic location: 16p12.1.
Variant type: single nucleotide variant.
Coding change: c.125+49A>G on transcript NM_001042432.2 (MANE Select); 49 bases into the intron after coding-DNA position 125, A replaced by G.
Molecular consequence: intron variant.
Genome position (GRCh38, 1-based): chr16:28,491,433, T>C on the plus strand (A>G on the coding strand, the complement: CLN3 is on the minus strand). VCF-style: chr16-28491433-T-C. GRCh37 (hg19) VCF-style: chr16-28502754-T-C.
Other names: NC_000016.9:g.28502754T>C; c.-38+281A>G (NM_001286109.2, NM_001286110.2); c.125+49A>G (NM_001286104.2, NM_000086.2); c.-96+281A>G (NM_001286105.2).
Identifiers: ClinVar variation 674477 (VCV000674477.3), dbSNP rs113317066, ClinGen allele CA7981058.
Genomic context (GRCh38, chr16:28,491,433, plus strand): 5'-ATTTGTGGGTTCAGCTCCTTTGCGCAGCTTAACTCTTTCTTCCCCCTTTCCTCCGGTCAC[T>C]TCCCTCTTCTCATGCCATTGTCACTCGCTGAAGTCTCAGGCCACTCACCAGAAGCCCACC-3'

ClinVar aggregate classification (germline): Likely benign. Review status: criteria provided, multiple submitters, no conflicts (2 of 4 stars). 2 submissions from 2 submitters: Likely benign (2). Last evaluated 2018-06-14.

Allele frequency attached by ClinVar (database versions not stated): ExAC 0.00296; gnomAD 0.01002 and 0.01075; TOPMed 0.01209; gnomAD exomes 0.00088 and 0.00237; 1000 Genomes Project 30x 0.00953; ESP Exome Variant Server 0.00954; 1000 Genomes Project 0.00978.
gnomAD v4.1: 2,886 of 1,605,444 alleles (0.18%); highest among the groups gnomAD compares: African/African-American, 3.3%; 52 homozygotes.

Submissions (5):

GeneDx
Classification: Likely benign. Last evaluated: 2018-06-14. Review status: criteria provided, single submitter. Criteria: GeneDx Variant Classification (06012015). Collection method: clinical testing. Allele origin: germline. Affected: yes.
Comment: This variant is considered likely benign or benign based on one or more of the following criteria: it is a conservative change, it occurs at a poorly conserved position in the protein, it is predicted to be benign by multiple in silico algorithms, and/or has population frequency not consistent with disease.

Breakthrough Genomics
Classification: Likely benign. Review status: criteria provided, single submitter. Criteria: ACMG Guidelines, 2015. Collection method: not provided. Allele origin: germline. Inheritance: Autosomal recessive inheritance. Affected: yes.

Dr. Peter K. Rogan Lab, Western University
No classification provided (evidence only). Condition: Uterine corpus endometrial carcinoma. Review status: no classification provided. Collection method: in vitro. Allele origin: not applicable. Functional consequence: skipped exon, retained intron. Not counted in ClinVar's aggregate classification.

Dr. Peter K. Rogan Lab, Western University
No classification provided (evidence only). Condition: Sarcoma. Review status: no classification provided. Collection method: in vitro. Allele origin: not applicable. Functional consequence: retained intron. Not counted in ClinVar's aggregate classification.

Dr. Peter K. Rogan Lab, Western University
No classification provided (evidence only). Condition: Malignant tumor of esophagus. Review status: no classification provided. Collection method: in vitro. Allele origin: not applicable. Functional consequence: retained intron. Not counted in ClinVar's aggregate classification.